The following is an entry in ClinVar:

NM_001199165.4(CEP112):c.2394+25500C>T

Gene: CEP112 (centrosomal protein 112; minus strand). Cytogenetic location: 17q24.1.
Variant type: single nucleotide variant.
Coding change: c.2394+25500C>T on transcript NM_001199165.4 (MANE Select); 25500 bases into the intron after coding-DNA position 2394, C replaced by T.
Molecular consequence: intron variant. On other transcripts: 5 prime UTR variant (1), non-coding transcript variant (1).
Genome position (GRCh38, 1-based): chr17:65,826,304, G>A on the plus strand (C>T on the coding strand, the complement: CEP112 is on the minus strand). VCF-style: chr17-65826304-G-A. GRCh37 (hg19) VCF-style: chr17-63822422-G-A.
Other names: c.-5C>T (NM_001037325.3); c.2268+25500C>T (NM_001353128.2, NM_001302891.3); c.2397+25500C>T (NM_001353129.2); c.2394+25500C>T (NM_001353127.2).
Identifiers: ClinVar variation 4856953 (VCV004856953.2).
Genomic context (GRCh38, chr17:65,826,304, plus strand): 5'-CTCAGGGCTTGGTTTTCCTTGGCAGATGGATGGTCTAAACTCAGAGAAGCCCACATCTTC[G>A]TTGACCCCCATTAAGATCTCAGAAGCAGTGATGAGAGCCCTCAGTGCAGGCTGTAGGGCA-3'

ClinVar aggregate classification (germline): Likely benign (1 of 4 stars; one submission).

gnomAD v4.1: 413 of 1,613,970 alleles (0.026%); highest among the groups gnomAD compares: African/African-American, 0.42%; 5 homozygotes.

Submission:

Dasa
Classification: Likely benign. Last evaluated: 2025-08-28. Review status: criteria provided, single submitter. Criteria: DASA Assertion Criteria. Collection method: clinical testing. Allele origin: germline.
Comment: NM_001037325.3(CEP112):c.-5C>T is a splice-region variant. Population frequency is inconsistent with a disease-causing role for this variant. Computational prediction algorithms are consistent with a benign effect. Therefore, based on the currently available evidence, this variant is classified as likely benign.